The following is an entry in ClinVar:

NM_005304.5(FFAR3):c.603C>T (p.Ser201=)

Gene: FFAR3 (free fatty acid receptor 3; plus strand). Cytogenetic location: 19q13.12.
Variant type: single nucleotide variant.
Coding change: c.603C>T on transcript NM_005304.5 (MANE Select); coding-DNA position 603, C replaced by T.
Protein change: p.Ser201=; no amino-acid change (serine 201 retained).
Molecular consequence: synonymous variant.
Genome position (GRCh38, 1-based): chr19:35,359,493, C>T. VCF-style: chr19-35359493-C-T. GRCh37 (hg19) VCF-style: chr19-35850395-C-T.
Identifiers: ClinVar variation 774735 (VCV000774735.28), dbSNP rs145113005, ClinGen allele CA9377655.

ClinVar aggregate classification (germline): Likely benign. Review status: criteria provided, multiple submitters, no conflicts (2 of 4 stars). 3 submissions from 3 submitters: Likely benign (3). Last evaluated 2023-04-01.

Allele frequency attached by ClinVar (database versions not stated): ESP Exome Variant Server 0.00381; 1000 Genomes Project 30x 0.00422; gnomAD exomes 0.00534; gnomAD 0.00554 and 0.00575; ExAC 0.00622.

Submissions (3):

CeGaT Center for Human Genetics Tuebingen
Classification: Likely benign. Last evaluated: 2023-04-01. Review status: criteria provided, single submitter. Criteria: CeGaT Center For Human Genetics Tuebingen Variant Classification Criteria Version 2. Collection method: clinical testing. Allele origin: germline. Affected: yes. Observed: 1 variant allele.
Comment: FFAR3: BP4, BP7

Labcorp Genetics (formerly Invitae), Labcorp
Classification: Likely benign. Last evaluated: 2017-06-22. Review status: criteria provided, single submitter. Criteria: Invitae Variant Classification Sherloc (09022015). Collection method: clinical testing. Allele origin: germline.

Breakthrough Genomics
Classification: Likely benign. Review status: criteria provided, single submitter. Criteria: ACMG Guidelines, 2015. Collection method: not provided. Allele origin: germline. Inheritance: Unknown mechanism. Affected: yes.